The following is an entry in ClinVar:

NM_015335.5(MED13L):c.6556C>T (p.Gln2186Ter)

Gene: MED13L (mediator complex subunit 13L; minus strand). Cytogenetic location: 12q24.21.
Variant type: single nucleotide variant.
Coding change: c.6556C>T on transcript NM_015335.5 (MANE Select); coding-DNA position 6556, C replaced by T.
Protein change: p.Gln2186Ter; replaces glutamine 2186 with a stop codon.
Molecular consequence: nonsense.
Genome position (GRCh38, 1-based): chr12:115,961,343, G>A on the plus strand (C>T on the coding strand, the complement: MED13L is on the minus strand). VCF-style: chr12-115961343-G-A. GRCh37 (hg19) VCF-style: chr12-116399148-G-A.
Other names: short protein forms Q2186*.
Identifiers: ClinVar variation 451351 (VCV000451351.5), dbSNP rs1555239555, ClinGen allele CA386872703.

ClinVar aggregate classification (germline): Likely pathogenic. Review status: criteria provided, multiple submitters, no conflicts (2 of 4 stars). 2 submissions from 2 submitters: Likely pathogenic (2). Last evaluated 2024-12-17.

Conditions:
Cardiac anomalies - developmental delay - facial dysmorphism syndrome (MRFACD). Also called: Impaired intellectual development and distinctive facial features with or without cardiac defects; MED13L Syndrome. Identifiers: Orphanet 369891, MedGen C5192431, MONDO:0014773, OMIM 616789.
Paediatric disorders.

Submissions (2):

North West Genomic Laboratory Hub, Manchester University NHS Foundation Trust
Classification: Likely pathogenic for Paediatric disorders. Last evaluated: 2024-12-17. Review status: criteria provided, single submitter. Criteria: ACGS Best Practice Guidelines for Variant Classification in Rare Disease 2024. Collection method: clinical testing. Allele origin: germline. Affected: yes.
Comment: PVS1_Mod PS2_Mod PM2_Mod

GeneDx
Classification: Likely pathogenic. Last evaluated: 2017-08-18. Review status: criteria provided, single submitter. Criteria: GeneDx Variant Classification (06012015). Collection method: clinical testing. Allele origin: germline. Affected: yes.
Comment: The Q2186X variant in the MED13L gene has not been reported previously as a pathogenic variant nor as a benign variant, to our knowledge. This variant is predicted to cause loss of normal protein function through protein truncation, as the last 25 amino acids of the protein are lost. The Q2186X variant is not observed in large population cohorts (Lek et al., 2016; 1000 Genomes Consortium et al., 2015; Exome Variant Server). We interpret Q2186X as a likely pathogenic variant.